The following is an entry in ClinVar:

ClinVar aggregate classification (germline): Uncertain significance (1 of 4 stars; one submission).

Conditions:
Cardiovascular phenotype. Identifiers: MedGen CN230736.

Submission:

Ambry Genetics
Classification: Uncertain significance for Cardiovascular phenotype. Last evaluated: 2022-05-23. Review status: criteria provided, single submitter. Criteria: Ambry Variant Classification Scheme 2023. Collection method: clinical testing. Allele origin: germline.
Comment: The p.A1386T variant (also known as c.4156G>A), located in coding exon 24 of the FLNC gene, results from a G to A substitution at nucleotide position 4156. The alanine at codon 1386 is replaced by threonine, an amino acid with similar properties. This amino acid position is conserved. In addition, this alteration is predicted to be tolerated by in silico analysis. Since supporting evidence is limited at this time, the clinical significance of this alteration remains unclear.

NM_001458.5(FLNC):c.4156G>A (p.Ala1386Thr)

Gene: FLNC (filamin C; plus strand). Cytogenetic location: 7q32.1.
Variant type: single nucleotide variant.
Coding change: c.4156G>A on transcript NM_001458.5 (MANE Select); coding-DNA position 4156, G replaced by A.
Protein change: p.Ala1386Thr; replaces alanine 1386 with threonine.
Molecular consequence: missense variant.
Genome position (GRCh38, 1-based): chr7:128,846,773, G>A. VCF-style: chr7-128846773-G-A. GRCh37 (hg19) VCF-style: chr7-128486827-G-A.
Other names: c.4156G>A, p.Ala1386Thr (NM_001127487.2); short protein forms A1386T.
Identifiers: ClinVar variation 1738296 (VCV001738296.2), dbSNP rs2536643516, ClinGen allele CA369200426.
Genomic context (GRCh38, chr7:128,846,773, plus strand): 5'-TATGAAGCTGATGGGGGGATGTTATCTCTCAGGGGAGCGGGCACCGGGGGCCTTGGCCTA[G>A]CCATCGAGGGTCCCTCGGAAGCCAAGATGTCCTGCAAGGACAACAAGGATGGTAGCTGCA-3'
Protein context (NP_001449.3, residues 1376-1396): RGAGTGGLGL[Ala1386Thr]IEGPSEAKMS